The following is an entry in ClinVar:

ClinVar aggregate classification (germline): Uncertain significance (1 of 4 stars; one submission).

Conditions:
Cardiovascular phenotype. Identifiers: MedGen CN230736.

Submission:

Ambry Genetics
Classification: Uncertain significance for Cardiovascular phenotype. Last evaluated: 2026-09-06. Review status: criteria provided, single submitter. Criteria: Ambry Variant Classification Scheme 2023. Collection method: clinical testing. Allele origin: germline.
Comment: The p.M1456T variant (also known as c.4367T>C), located in coding exon 30 of the ABCA1 gene, results from a T to C substitution at nucleotide position 4367. The methionine at codon 1456 is replaced by threonine, an amino acid with similar properties. This amino acid position is conserved. In addition, the in silico prediction for this alteration is inconclusive. Based on the available evidence, the clinical significance of this variant remains unclear.

NM_005502.4(ABCA1):c.4367T>C (p.Met1456Thr)

Gene: ABCA1 (ATP binding cassette subfamily A member 1; minus strand). Cytogenetic location: 9q31.1.
Variant type: single nucleotide variant.
Coding change: c.4367T>C on transcript NM_005502.4 (MANE Select); coding-DNA position 4367, T replaced by C.
Protein change: p.Met1456Thr; replaces methionine 1456 with threonine.
Molecular consequence: missense variant.
Genome position (GRCh38, 1-based): chr9:104,806,338, A>G on the plus strand (T>C on the coding strand, the complement: ABCA1 is on the minus strand). VCF-style: chr9-104806338-A-G. GRCh37 (hg19) VCF-style: chr9-107568619-A-G.
Other names: short protein forms M1456T.
Identifiers: ClinVar variation 5034126 (VCV005034126.1).